The following is an entry in ClinVar:

NM_000312.4(PROC):c.1277G>A (p.Cys426Tyr)

Gene: PROC (protein C, inactivator of coagulation factors Va and VIIIa; plus strand). Cytogenetic location: 2q14.3.
Variant type: single nucleotide variant.
Coding change: c.1277G>A on transcript NM_000312.4 (MANE Select); coding-DNA position 1277, G replaced by A.
Protein change: p.Cys426Tyr; replaces cysteine 426 with tyrosine.
Molecular consequence: missense variant.
Genome position (GRCh38, 1-based): chr2:127,428,837, G>A. VCF-style: chr2-127428837-G-A. GRCh37 (hg19) VCF-style: chr2-128186413-G-A.
Other names: c.1460G>A, p.Cys487Tyr (NM_001375602.1); c.1442G>A, p.Cys481Tyr (NM_001375603.1); c.1340G>A, p.Cys447Tyr (NM_001375604.1); c.1379G>A, p.Cys460Tyr (NM_001375605.1); c.1445G>A, p.Cys482Tyr (NM_001375606.1); c.1463G>A, p.Cys488Tyr (NM_001375607.1); c.1220G>A, p.Cys407Tyr (NM_001375608.1); c.1253G>A, p.Cys418Tyr (NM_001375609.1); and 2 more; short protein forms C407Y, C418Y, C424Y, C426Y, C447Y, C460Y, C481Y, C482Y.
Identifiers: ClinVar variation 2429142 (VCV002429142.4), dbSNP rs1688706883, ClinGen allele CA348406558.

ClinVar aggregate classification (germline): Conflicting classifications of pathogenicity. Review status: criteria provided, conflicting classifications (1 of 4 stars). 2 submissions from 2 submitters: Likely pathogenic (1); Uncertain significance (1). Last evaluated 2023-01-20.

Conditions:
PROC-related disorder. Also called: PROC-related condition.

Allele frequency attached by ClinVar (database versions not stated): TOPMed below 0.00001.

Submissions (2):

Women's Health and Genetics/Laboratory Corporation of America, LabCorp
Classification: Uncertain significance. Last evaluated: 2023-01-20. Review status: criteria provided, single submitter. Criteria: LabCorp Variant Classification Summary - May 2015. Collection method: clinical testing. Allele origin: germline.
Comment: Variant summary: PROC c.1277G>A (p.Cys426Tyr) results in a non-conservative amino acid change located in the Serine proteases, trypsin domain (IPR001254) of the encoded protein sequence. Five of five in-silico tools predict a damaging effect of the variant on protein function. The variant was absent in 249544 control chromosomes (gnomAD). The available data on variant occurrences in the general population are insufficient to allow any conclusion about variant significance. c.1277G>A has been reported in the literature in at-least one individual affected with Protein C Deficiency Type 1, Autosomal Dominant (example: Tsay_1993). No clinical diagnostic laboratories have submitted clinical-significance assessments for this variant to ClinVar after 2014. Based on the evidence outlined above, the variant was classified as uncertain significance.

Blueprint Genetics
Classification: Likely pathogenic for PROC-related disorders. Last evaluated: 2021-09-01. Review status: criteria provided, single submitter. Criteria: ACMG Guidelines, 2015. Collection method: clinical testing. Allele origin: germline. Affected: yes. Observed: 1 variant allele.

Literature cited by the submitters: PubMed 8292730 (cited by Women's Health and Genetics/Laboratory Corporation of America, LabCorp).